The following is an entry in ClinVar:

NM_000228.3(LAMB3):c.121del (p.Leu41fs)

Gene: LAMB3 (laminin subunit beta 3; minus strand). Cytogenetic location: 1q32.2.
Variant type: Deletion.
Coding change: c.121del on transcript NM_000228.3 (MANE Select); coding-DNA position 121, one base deleted (C; older notation c.121delC).
Protein change: p.Leu41fs; shifts the reading frame from leucine 41.
Molecular consequence: frameshift variant.
Genome position (GRCh38, 1-based): chr1:209,650,026, G deleted on the plus strand (C on the coding strand, the reverse complement: LAMB3 is on the minus strand). VCF-style (leftmost placement, unchanged base first): chr1-209650025-AG-A. GRCh37 (hg19) VCF-style: chr1-209823370-AG-A.
Other names: c.121del, p.Leu41fs (NM_001017402.2, NM_001127641.1); short protein forms L41fs.
Identifiers: ClinVar variation 1725919 (VCV001725919.3), dbSNP rs2464953951, ClinGen allele CA2580061965.

ClinVar aggregate classification (germline): Likely pathogenic (1 of 4 stars; one submission).

Conditions:
Junctional epidermolysis bullosa. Identifiers: Orphanet 305, MedGen C0079301, MONDO:0017612.

Submission:

Myriad Genetics, Inc.
Classification: Likely pathogenic for Junctional epidermolysis bullosa. Last evaluated: 2022-04-14. Review status: criteria provided, single submitter. Criteria: Myriad Autosomal Dominant, Autosomal Recessive and X-Linked Classification Criteria (2023). Collection method: clinical testing. Allele origin: unknown.
Comment: NM_000228.2(LAMB3):c.121delC(L41Sfs*9) is expected to be pathogenic in the context of junctional epidermolysis bullosa, LAMB3-related. This variant is predicted to lead to an abnormal or absent protein product due to the creation of a premature termination codon in LAMB3, a gene where loss-of-function variants are known to be pathogenic. Please note: this variant was assessed in the context of healthy population screening.